The following is an entry in ClinVar:

NM_001029883.3(PCARE):c.1132G>A (p.Glu378Lys)

Gene: PCARE (photoreceptor cilium actin regulator; minus strand). Cytogenetic location: 2p23.2.
Variant type: single nucleotide variant.
Coding change: c.1132G>A on transcript NM_001029883.3 (MANE Select); coding-DNA position 1132, G replaced by A.
Protein change: p.Glu378Lys; replaces glutamic acid 378 with lysine.
Molecular consequence: missense variant.
Genome position (GRCh38, 1-based): chr2:29,073,130, C>T on the plus strand (G>A on the coding strand, the complement: PCARE is on the minus strand). VCF-style: chr2-29073130-C-T. GRCh37 (hg19) VCF-style: chr2-29295996-C-T.
Other names: c.1132G>A (NM_001029883.1); short protein forms E378K.
Identifiers: ClinVar variation 1406553 (VCV001406553.6), dbSNP rs201900716, ClinGen allele CA1592493.

ClinVar aggregate classification (germline): Uncertain significance. Review status: criteria provided, multiple submitters, no conflicts (2 of 4 stars). 2 submissions from 2 submitters: Uncertain significance (2). Last evaluated 2023-11-27.

Conditions:
Inborn genetic diseases. Identifiers: MedGen C0950123, MeSH D030342.

Allele frequency attached by ClinVar (database versions not stated): gnomAD exomes 0.00003 and 0.00006; TOPMed 0.00004; ExAC 0.00005; gnomAD 0.00006 and 0.00007; ESP Exome Variant Server 0.00008; 1000 Genomes Project 30x 0.00016; 1000 Genomes Project 0.00020.
gnomAD v4.1: 64 of 1,614,170 alleles (0.004%); highest among the groups gnomAD compares: Admixed American, 0.02%; no homozygotes.

Submissions (2):

Labcorp Genetics (formerly Invitae), Labcorp
Classification: Uncertain significance. Last evaluated: 2023-11-27. Review status: criteria provided, single submitter. Criteria: Invitae Variant Classification Sherloc (09022015). Collection method: clinical testing. Allele origin: germline.
Comment: This sequence change replaces glutamic acid, which is acidic and polar, with lysine, which is basic and polar, at codon 378 of the PCARE protein (p.Glu378Lys). This variant is present in population databases (rs201900716, gnomAD 0.02%). This missense change has been observed in individual(s) with retinitis pigmentosa (PMID: 21412943). ClinVar contains an entry for this variant (Variation ID: 1406553). An algorithm developed to predict the effect of missense changes on protein structure and function (PolyPhen-2) suggests that this variant¬†is likely to be tolerated. In summary, the available evidence is currently insufficient to determine the role of this variant in disease. Therefore, it has been classified as a Variant of Uncertain Significance.

Ambry Genetics
Classification: Uncertain significance for Inborn genetic diseases. Last evaluated: 2021-10-26. Review status: criteria provided, single submitter. Criteria: Ambry Variant Classification Scheme 2023. Collection method: clinical testing. Allele origin: germline.

Literature cited by the submitters: PubMed 21412943 (cited by Labcorp Genetics (formerly Invitae), Labcorp).